The following is an entry in ClinVar:

ClinVar aggregate classification (germline): Uncertain significance (1 of 4 stars; one submission).

Conditions:
Familial adenomatous polyposis 1 (FAP1). Also called: FAMILIAL ADENOMATOUS POLYPOSIS 1, ATTENUATED; POLYPOSIS, ADENOMATOUS INTESTINAL. Identifiers: MedGen C2713442, MONDO:0021056, OMIM 175100. Disease mechanism: loss of function.

Submission:

Labcorp Genetics (formerly Invitae), Labcorp
Classification: Uncertain significance for Familial adenomatous polyposis 1. Last evaluated: 2020-12-16. Review status: criteria provided, single submitter. Criteria: Invitae Variant Classification Sherloc (09022015). Collection method: clinical testing. Allele origin: germline.
Comment: Experimental studies and prediction algorithms are not available or were not evaluated, and the functional significance of this variant is currently unknown. In summary, the available evidence is currently insufficient to determine the role of this variant in disease. Therefore, it has been classified as a Variant of Uncertain Significance. This variant has not been reported in the literature in individuals with APC-related conditions. The frequency data for this variant in the population databases is considered unreliable, as metrics indicate insufficient coverage at this position in the ExAC database. This variant occurs in a non-coding region of the APC gene. It does not change the encoded amino acid sequence of the APC protein.

NC_000005.10:g.112707382A>T

Gene: APC (APC regulator of Wnt signaling pathway; plus strand). Cytogenetic location: 5q22.2.
Variant type: single nucleotide variant.
Genome position: GRCh38 VCF-style: chr5-112707382-A-T. GRCh37 (hg19) VCF-style: chr5-112043079-A-T.
Identifiers: ClinVar variation 1494012 (VCV001494012.6), dbSNP rs2149628316, ClinGen allele CA2573138746.